The following is an entry in ClinVar:

ClinVar aggregate classification (germline): Pathogenic (1 of 4 stars; one submission).

Conditions:
Inborn genetic diseases. Identifiers: MedGen C0950123, MeSH D030342.

Submission:

Ambry Genetics
Classification: Pathogenic for Inborn genetic diseases. Last evaluated: 2026-06-01. Review status: criteria provided, single submitter. Criteria: Ambry Variant Classification Scheme 2023. Collection method: clinical testing. Allele origin: germline.
Comment: The c.2875G>T (p.E959*) alteration, located in exon 5 (coding exon 5) of the MAP1B gene, consists of a G to T substitution at nucleotide position 2875. This changes the amino acid from a glutamic acid (E) to a stop codon at amino acid position 959. This variant is expected to result in loss of function by premature protein truncation or nonsense-mediated mRNA decay. This variant was not reported in population-based cohorts in the Genome Aggregation Database (gnomAD). Based on the available evidence, this alteration is classified as pathogenic.

NM_005909.5(MAP1B):c.2875G>T (p.Glu959Ter)

Gene: MAP1B (microtubule associated protein 1B; plus strand). Cytogenetic location: 5q13.2.
Variant type: single nucleotide variant.
Coding change: c.2875G>T on transcript NM_005909.5 (MANE Select); coding-DNA position 2875, G replaced by T.
Protein change: p.Glu959Ter; replaces glutamic acid 959 with a stop codon.
Molecular consequence: nonsense.
Genome position (GRCh38, 1-based): chr5:72,196,230, G>T. VCF-style: chr5-72196230-G-T. GRCh37 (hg19) VCF-style: chr5-71492057-G-T.
Other names: c.2497G>T, p.Glu833Ter (NM_001324255.2); short protein forms E833*, E959*.
Identifiers: ClinVar variation 4859493 (VCV004859493.1).